The following is an entry in ClinVar:

NM_152393.4(KLHL40):c.1422-8C>T

Gene: KLHL40 (kelch like family member 40; plus strand). Cytogenetic location: 3p22.1.
Variant type: single nucleotide variant.
Coding change: c.1422-8C>T on transcript NM_152393.4 (MANE Select); 8 bases into the intron before coding-DNA position 1422, C replaced by T.
Molecular consequence: intron variant.
Genome position (GRCh38, 1-based): chr3:42,688,861, C>T. VCF-style: chr3-42688861-C-T. GRCh37 (hg19) VCF-style: chr3-42730353-C-T.
Identifiers: ClinVar variation 3046998 (VCV003046998.2), dbSNP rs756878794, ClinGen allele CA2665271448.

ClinVar aggregate classification (germline): Likely benign (0 of 4 stars; one submission).

Conditions:
KLHL40-related disorder. Also called: KLHL40-related condition.

gnomAD v4.1: 1 of 1,612,544 alleles (0.000062%); highest among the groups gnomAD compares: Non-Finnish European, 0.000085%; no homozygotes.

Submission:

PreventionGenetics, part of Exact Sciences
Classification: Likely benign for KLHL40-related condition. Last evaluated: 2022-11-03. Review status: no assertion criteria provided. Collection method: clinical testing. Allele origin: germline.
Comment: This variant is classified as likely benign based on ACMG/AMP sequence variant interpretation guidelines (Richards et al. 2015 PMID: 25741868, with internal and published modifications).